The following is an entry in ClinVar:

NM_000138.5(FBN1):c.5477A>G (p.Asn1826Ser)

Gene: FBN1 (fibrillin 1; minus strand). Cytogenetic location: 15q21.1.
Variant type: single nucleotide variant.
Coding change: c.5477A>G on transcript NM_000138.5 (MANE Select); coding-DNA position 5477, A replaced by G.
Protein change: p.Asn1826Ser; replaces asparagine 1826 with serine.
Molecular consequence: missense variant.
Genome position (GRCh38, 1-based): chr15:48,452,630, T>C on the plus strand (A>G on the coding strand, the complement: FBN1 is on the minus strand). VCF-style: chr15-48452630-T-C. GRCh37 (hg19) VCF-style: chr15-48744827-T-C.
Other names: short protein forms N1826S.
Identifiers: ClinVar variation 845508 (VCV000845508.12), dbSNP rs2043210015, ClinGen allele CA392344266.

ClinVar aggregate classification (germline): Uncertain significance. Review status: criteria provided, multiple submitters, no conflicts (2 of 4 stars). 3 submissions from 3 submitters: Uncertain significance (3). Last evaluated 2024-11-08.

Conditions:
Geleophysic dysplasia 2 (GPHYSD2). Identifiers: Orphanet 2623, MedGen C3280054, MONDO:0013612, OMIM 614185.
Ectopia lentis 1, isolated, autosomal dominant (ECTOL1). Identifiers: Orphanet 1885, MedGen C3541518, MONDO:0007514, OMIM 129600.
MASS syndrome (OCTD). Also called: OVERLAP CONNECTIVE TISSUE DISEASE; MASS PHENOTYPE. Identifiers: MedGen C1858556, MONDO:0011431, OMIM 604308.
Weill-Marchesani syndrome 2, dominant. Also called: FBN1-Related Weill-Marchesani Syndrome; Weill-Marchesani Syndrome, Autosomal Dominant. Identifiers: Orphanet 2084, MedGen C1869115, MONDO:0012013, OMIM 608328.
Acromicric dysplasia (ACMICD). Also called: Acromicric skeletal dysplasia. Identifiers: Orphanet 969, MedGen C0265287, MONDO:0007055, OMIM 102370.
Marfan syndrome (MFS). Also called: FBN1-Related Marfan Syndrome; Marfan's syndrome; MARFAN SYNDROME, TYPE I; Marfan syndrome type 1; Marfan syndrome, classic. Identifiers: Orphanet 284963, Orphanet 558, MedGen C0024796, MONDO:0007947, OMIM 154700.
Stiff skin syndrome (SSKS). Identifiers: Orphanet 2833, MedGen C1861456, MONDO:0008492, OMIM 184900.
Progeroid and marfanoid aspect-lipodystrophy syndrome. Also called: MARFANOID-PROGEROID-LIPODYSTROPHY SYNDROME; Marfan lipodystrophy syndrome; MARFANOID-PROGEROID SYNDROME; MARFAN-PROGEROID-LIPODYSTROPHY SYNDROME. Identifiers: Orphanet 300382, MedGen C4310796, MONDO:0014831, OMIM 616914.
Familial thoracic aortic aneurysm and aortic dissection (TAAD). Also called: Thoracic aortic aneurysms and dissections. Identifiers: Orphanet 91387, MedGen C4707243, MONDO:0019625.

gnomAD v4.1: 1 of 1,614,176 alleles (0.000062%); no homozygotes.

Submissions (3):

3billion
Classification: Uncertain significance for Marfan syndrome. Last evaluated: 2024-11-08. Review status: criteria provided, single submitter. Criteria: ACMG Guidelines, 2015. Collection method: clinical testing. Allele origin: germline. Affected: yes.
Comment: The variant is observed at an extremely low frequency in the gnomAD v4.1.0 dataset (total allele frequency: <0.001%). Predicted Consequence/Location: Missense variant In silico tool predictions suggest damaging effect of the variant on gene or gene product [REVEL: 0.90 (>=0.6, sensitivity 0.68 and specificity 0.92); 3Cnet: 0.81 (>=0.6, sensitivity 0.72 and precision 0.9)]. The same nucleotide change resulting in the same amino acid change has been previously reported to be associated with FBN1 related disorder (PMID: 19533785). However, the evidence of pathogenicity is insufficient at this time. Therefore, this variant is classified as VUS according to the recommendation of ACMG/AMP guideline.

Fulgent Genetics
Classification: Uncertain significance for Acromicric dysplasia; Ectopia lentis 1, isolated, autosomal dominant; Marfan syndrome; Stiff skin syndrome; MASS syndrome; Weill-Marchesani syndrome 2, dominant; Geleophysic dysplasia 2; Progeroid and marfanoid aspect-lipodystrophy syndrome. Last evaluated: 2021-07-12. Review status: criteria provided, single submitter. Criteria: ACMG Guidelines, 2015. Collection method: clinical testing. Allele origin: unknown.

Labcorp Genetics (formerly Invitae), Labcorp
Classification: Uncertain significance for Marfan syndrome; Familial thoracic aortic aneurysm and aortic dissection. Last evaluated: 2019-12-02. Review status: criteria provided, single submitter. Criteria: Invitae Variant Classification Sherloc (09022015). Collection method: clinical testing. Allele origin: germline.
Comment: In summary, the available evidence is currently insufficient to determine the role of this variant in disease. Therefore, it has been classified as a Variant of Uncertain Significance. Algorithms developed to predict the effect of missense changes on protein structure and function are either unavailable or do not agree on the potential impact of this missense change (SIFT: "Tolerated"; PolyPhen-2: "Probably Damaging"; Align-GVGD: "Class C0"). This variant has been observed in individual(s) with clinical features of Marfan syndrome (PMID: 19533785). This variant is not present in population databases (ExAC no frequency). This sequence change replaces asparagine with serine at codon 1826 of the FBN1 protein (p.Asn1826Ser). The asparagine residue is highly conserved and there is a small physicochemical difference between asparagine and serine.

Literature cited by the submitters: PubMed 19533785 (cited by 3billion and Labcorp Genetics (formerly Invitae), Labcorp).